The following is an entry in ClinVar:

NM_019892.6(INPP5E):c.976G>A (p.Glu326Lys)

Gene: INPP5E (inositol polyphosphate-5-phosphatase E; minus strand). Cytogenetic location: 9q34.3.
Variant type: single nucleotide variant.
Coding change: c.976G>A on transcript NM_019892.6 (MANE Select); coding-DNA position 976, G replaced by A.
Protein change: p.Glu326Lys; replaces glutamic acid 326 with lysine.
Molecular consequence: missense variant.
Genome position (GRCh38, 1-based): chr9:136,434,095, C>T on the plus strand (G>A on the coding strand, the complement: INPP5E is on the minus strand). VCF-style: chr9-136434095-C-T. GRCh37 (hg19) VCF-style: chr9-139328547-C-T.
Other names: c.976G>A (NM_019892.5); c.976G>A, p.Glu326Lys (NM_001318502.2); short protein forms E326K.
Identifiers: ClinVar variation 698755 (VCV000698755.16), dbSNP rs200794870, ClinGen allele CA5337006.
Genomic context (GRCh38, chr9:136,434,095, plus strand): 5'-ACCTGTCAGAACAGCCCTCCTGGACCCCGATGACATACAGGTCCTGGGCATAGTCGGCCT[C>T]GGCTGGGAGCAGGAACTCGTCCAGGCTGGGCGGGAGCTCCTGGAAGGAGGGAGCATGTGG-3'
Protein context (NP_063945.2, residues 316-336): PSLDEFLLPA[Glu326Lys]ADYAQDLYVI

ClinVar aggregate classification (germline): Conflicting classifications of pathogenicity. Review status: criteria provided, conflicting classifications (1 of 4 stars). 5 submissions from 5 submitters: Uncertain significance (2); Benign (1); Likely benign (1). 1 of the submissions does not count toward it. Last evaluated 2026-01-19.

Conditions:
Joubert syndrome 1 (JBTS1). Also called: Cerebellooculorenal syndrome 1; CEREBELLOPARENCHYMAL DISORDER IV. Identifiers: MedGen C4551568, MONDO:0008944, OMIM 213300.
MORM syndrome (MORMS). Identifiers: Orphanet 75858, MedGen C1857802, MONDO:0012423, OMIM 610156.
Joubert syndrome. Also called: JOUBERT-BOLTSHAUSER SYNDROME; Familial aplasia of the vermis. Identifiers: Orphanet 475, MedGen C5979921, MONDO:0018772.
INPP5E-related disorder. Also called: INPP5E-related condition.

Allele frequency attached by ClinVar (database versions not stated): 1000 Genomes Project 30x 0.00016; gnomAD exomes 0.00018; 1000 Genomes Project 0.00020; ExAC 0.00025; gnomAD 0.00006 and 0.00009; TOPMed 0.00007.
gnomAD v4.1: 82 of 1,610,924 alleles (0.0051%); highest among the groups gnomAD compares: East Asian, 0.1%; no homozygotes.

Submissions (5):

Labcorp Genetics (formerly Invitae), Labcorp
Classification: Likely benign for Joubert syndrome. Last evaluated: 2026-01-19. Review status: criteria provided, single submitter. Criteria: Invitae Variant Classification Sherloc (09022015). Collection method: clinical testing. Allele origin: germline.

Revvity Omics, Revvity
Classification: Uncertain significance. Last evaluated: 2025-03-24. Review status: criteria provided, single submitter. Criteria: ACMG Guidelines, 2015. Collection method: clinical testing. Allele origin: germline.

Blueprint Genetics
Classification: Benign. Last evaluated: 2024-09-18. Review status: criteria provided, single submitter. Criteria: ACMG Guidelines, 2015. Collection method: clinical testing. Allele origin: germline.

Fulgent Genetics
Classification: Uncertain significance for Joubert syndrome 1; MORM syndrome. Last evaluated: 2024-05-22. Review status: criteria provided, single submitter. Criteria: ACMG Guidelines, 2015. Collection method: clinical testing. Allele origin: germline.

PreventionGenetics, part of Exact Sciences
Classification: Likely benign for INPP5E-related condition. Last evaluated: 2022-08-30. Review status: no assertion criteria provided. Collection method: clinical testing. Allele origin: germline. Not counted in ClinVar's aggregate classification.
Comment: This variant is classified as likely benign based on ACMG/AMP sequence variant interpretation guidelines (Richards et al. 2015 PMID: 25741868, with internal and published modifications).